The following is an entry in ClinVar:

NM_001999.4(FBN2):c.199G>A (p.Gly67Ser)

Gene: FBN2 (fibrillin 2; minus strand). Cytogenetic location: 5q23.3.
Variant type: single nucleotide variant.
Coding change: c.199G>A on transcript NM_001999.4 (MANE Select); coding-DNA position 199, G replaced by A.
Protein change: p.Gly67Ser; replaces glycine 67 with serine.
Molecular consequence: missense variant.
Genome position (GRCh38, 1-based): chr5:128,537,405, C>T on the plus strand (G>A on the coding strand, the complement: FBN2 is on the minus strand). VCF-style: chr5-128537405-C-T. GRCh37 (hg19) VCF-style: chr5-127873098-C-T.
Other names: short protein forms G67S.
Identifiers: ClinVar variation 4871243 (VCV004871243.1).

ClinVar aggregate classification (germline): Uncertain significance (1 of 4 stars; one submission).

Conditions:
Familial thoracic aortic aneurysm and aortic dissection (TAAD). Also called: Thoracic aortic aneurysms and dissections. Identifiers: Orphanet 91387, MedGen C4707243, MONDO:0019625.

gnomAD v4.1: 1 of 1,610,344 alleles (0.000062%); no homozygotes.

Submission:

Ambry Genetics
Classification: Uncertain significance for Familial thoracic aortic aneurysm and aortic dissection. Last evaluated: 2026-03-23. Review status: criteria provided, single submitter. Criteria: Ambry Variant Classification Scheme 2023. Collection method: clinical testing. Allele origin: germline.
Comment: The p.G67S variant (also known as c.199G>A), located in coding exon 1 of the FBN2 gene, results from a G to A substitution at nucleotide position 199. The glycine at codon 67 is replaced by serine, an amino acid with similar properties. This amino acid position is conserved. In addition, this alteration is predicted to be tolerated by in silico analysis. Based on the available evidence, the clinical significance of this variant remains unclear.